The following is an entry in ClinVar:

ClinVar aggregate classification (germline): Uncertain significance. Review status: criteria provided, multiple submitters, no conflicts (2 of 4 stars). 2 submissions from 2 submitters: Uncertain significance (2). Last evaluated 2023-02-17.

Conditions:
Hereditary cancer-predisposing syndrome. Also called: Hereditary Cancer Syndrome; Tumor predisposition; Hereditary neoplastic syndrome; Neoplastic Syndromes, Hereditary. Identifiers: Orphanet 140162, MedGen C0027672, MeSH D009386, MONDO:0015356.

Submissions (2):

Labcorp Genetics (formerly Invitae), Labcorp
Classification: Uncertain significance. Last evaluated: 2023-02-17. Review status: criteria provided, single submitter. Criteria: Invitae Variant Classification Sherloc (09022015). Collection method: clinical testing. Allele origin: germline.
Comment: In summary, the available evidence is currently insufficient to determine the role of this variant in disease. Therefore, it has been classified as a Variant of Uncertain Significance. This sequence change replaces serine, which is neutral and polar, with cysteine, which is neutral and slightly polar, at codon 327 of the MSH3 protein (p.Ser327Cys). This variant is not present in population databases (gnomAD no frequency). This variant has not been reported in the literature in individuals affected with MSH3-related conditions. ClinVar contains an entry for this variant (Variation ID: 1045607). An algorithm developed to predict the effect of missense changes on protein structure and function (PolyPhen-2) suggests that this variant is likely to be disruptive.

Ambry Genetics
Classification: Uncertain significance for Hereditary cancer-predisposing syndrome. Last evaluated: 2023-01-25. Review status: criteria provided, single submitter. Criteria: Ambry Variant Classification Scheme 2023. Collection method: clinical testing. Allele origin: germline.
Comment: The p.S327C variant (also known as c.980C>G), located in coding exon 6 of the MSH3 gene, results from a C to G substitution at nucleotide position 980. The serine at codon 327 is replaced by cysteine, an amino acid with dissimilar properties. This amino acid position is conserved. In addition, this alteration is predicted to be tolerated by in silico analysis. Since supporting evidence is limited at this time, the clinical significance of this alteration remains unclear.

NM_002439.5(MSH3):c.980C>G (p.Ser327Cys)

Genes: MSH3 (mutS homolog 3; plus strand), LOC126807437 (MED14-independent group 3 enhancer GRCh37_chr5:79968379-79969578; plus strand). Cytogenetic location: 5q14.1.
Variant type: single nucleotide variant.
Coding change: c.980C>G on transcript NM_002439.5 (MANE Select); coding-DNA position 980, C replaced by G.
Protein change: p.Ser327Cys; replaces serine 327 with cysteine.
Molecular consequence: missense variant.
Genome position (GRCh38, 1-based): chr5:80,672,811, C>G. VCF-style: chr5-80672811-C-G. GRCh37 (hg19) VCF-style: chr5-79968630-C-G.
Other names: c.980C>G (NM_002439.3); short protein forms S327C.
Identifiers: ClinVar variation 1045607 (VCV001045607.13), dbSNP rs1749753546, ClinGen allele CA360267469.
Genomic context (GRCh38, chr5:80,672,811, plus strand): 5'-TGAAGCAAACTGAAACTGCAGCATTAAAGGCCATTGGAGACAACAGAAGTTCACTCTTTT[C>G]CCGGAAATTGACTGCCCTTTATACAAAATCTACACTTATTGGAGAAGATATCCTTTTTGG-3'
Protein context (NP_002430.3, residues 317-337): AIGDNRSSLF[Ser327Cys]RKLTALYTKS